The following is an entry in ClinVar:

ClinVar aggregate classification (germline): Benign (3 of 4 stars; one submission).

Conditions:
Breast-ovarian cancer, familial, susceptibility to, 2 (BROVCA2). Also called: BRCA2 Hereditary Breast and Ovarian Cancer. Identifiers: Orphanet 145, MedGen C2675520, MONDO:0012933, OMIM 612555. Disease mechanism: loss of function.

Submission:

Evidence-based Network for the Interpretation of Germline Mutant Alleles (ENIGMA)
Classification: Benign for Breast-ovarian cancer, familial, susceptibility to, 2. Last evaluated: 2016-09-28. Review status: reviewed by expert panel. Criteria: ENIGMA BRCA1/2 Classification Criteria (2015). Collection method: curation. Allele origin: germline.
Comment: Class 1 not pathogenic based on frequency >1% in an outbred sampleset. Frequency 0.5179 (European), 0.3585 (African), 0.4971 (Admixed American/Latino), 0.4752 (East Asian), 0.544 (South Asian), derived from 1000 genomes (2013-05-02).

NM_000059.4(BRCA2):c.8331+3351del

Gene: BRCA2 (BRCA2 DNA repair associated; plus strand). Cytogenetic location: 13q13.1.
Variant type: Deletion.
Coding change: c.8331+3351del on transcript NM_000059.4 (MANE Select); 3351 bases into the intron after coding-DNA position 8331, one base deleted (A; older notation c.8331+3351delA).
Molecular consequence: intron variant.
Genome position (GRCh38, 1-based): chr13:32,366,884, A deleted; the last of 16 consecutive A bases (chr13:32,366,869-32,366,884); deleting any one gives the same sequence. VCF-style (leftmost placement, unchanged base first): chr13-32366868-CA-C. GRCh37 (hg19) VCF-style: chr13-32941005-CA-C.
Identifiers: ClinVar variation 264861 (VCV000264861.1), dbSNP rs35628833, ClinGen allele CA10588135.
Genomic context (GRCh38, chr13:32,366,868, plus strand): 5'-TGAGACCCTGTCTCAAAGAAAAAAAAAAATATGCTTATTGGTTTCATCTATCAAAAAGAA[CA>C]AAAAAAAAAAAAAAAGGAATAATCCAGTAGTAGTGAGTAACCCTAGCTCTCAGACTGTTT-3'